The following is an entry in ClinVar:

ClinVar aggregate classification (germline): Uncertain significance. Review status: criteria provided, multiple submitters, no conflicts (2 of 4 stars). 2 submissions from 2 submitters: Uncertain significance (2). Last evaluated 2024-02-21.

Submissions (2):

Ambry Genetics
Classification: Uncertain significance. Last evaluated: 2024-02-21. Review status: criteria provided, single submitter. Criteria: Ambry Variant Classification Scheme 2023. Collection method: clinical testing. Allele origin: germline.

Labcorp Genetics (formerly Invitae), Labcorp
Classification: Uncertain significance. Last evaluated: 2022-10-03. Review status: criteria provided, single submitter. Criteria: Invitae Variant Classification Sherloc (09022015). Collection method: clinical testing. Allele origin: germline.
Comment: In summary, the available evidence is currently insufficient to determine the role of this variant in disease. Therefore, it has been classified as a Variant of Uncertain Significance. Algorithms developed to predict the effect of missense changes on protein structure and function output the following: SIFT: "Tolerated"; PolyPhen-2: "Benign"; Align-GVGD: "Class C0". The aspartic acid amino acid residue is found in multiple mammalian species, which suggests that this missense change does not adversely affect protein function. This variant has not been reported in the literature in individuals affected with TET2-related conditions. This variant is not present in population databases (gnomAD no frequency). This sequence change replaces asparagine, which is neutral and polar, with aspartic acid, which is acidic and polar, at codon 140 of the TET2 protein (p.Asn140Asp).

NM_001127208.3(TET2):c.418A>G (p.Asn140Asp)

Genes: TET2 (tet methylcytosine dioxygenase 2; plus strand), TET2-AS1 (TET2 antisense RNA 1; minus strand). Cytogenetic location: 4q24.
Variant type: single nucleotide variant.
Coding change: c.418A>G on transcript NM_001127208.3 (MANE Select); coding-DNA position 418, A replaced by G.
Protein change: p.Asn140Asp; replaces asparagine 140 with aspartic acid.
Molecular consequence: missense variant.
Genome position (GRCh38, 1-based): chr4:105,234,360, A>G. VCF-style: chr4-105234360-A-G. GRCh37 (hg19) VCF-style: chr4-106155517-A-G.
Other names: c.418A>G, p.Asn140Asp (NM_017628.4); short protein forms N140D.
Identifiers: ClinVar variation 1910894 (VCV001910894.6), dbSNP rs2476480324, ClinGen allele CA357791603.
Genomic context (GRCh38, chr4:105,234,360, plus strand): 5'-GGAGAAAGACGTAACTTCGGGGTAAGCCAAGAAAGAAATCCAGGTGAAAGCAGTCAACCA[A>G]ATGTCTCCGATTTGAGTGATAAGAAAGAATCTGTGAGTTCTGTAGCCCAAGAAAATGCAG-3'
Protein context (NP_001120680.1, residues 130-150): ERNPGESSQP[Asn140Asp]VSDLSDKKES